The following is an entry in ClinVar:

NM_001378024.1(ARHGAP32):c.4236C>T (p.Arg1412=)

Gene: ARHGAP32 (Rho GTPase activating protein 32; minus strand). Cytogenetic location: 11q24.3.
Variant type: single nucleotide variant.
Coding change: c.4236C>T on transcript NM_001378024.1 (MANE Select); coding-DNA position 4236, C replaced by T.
Protein change: p.Arg1412=; no amino-acid change (arginine 1412 retained).
Molecular consequence: synonymous variant.
Genome position (GRCh38, 1-based): chr11:128,970,977, G>A on the plus strand (C>T on the coding strand, the complement: ARHGAP32 is on the minus strand). VCF-style: chr11-128970977-G-A. GRCh37 (hg19) VCF-style: chr11-128840872-G-A.
Other names: c.4194C>T, p.Arg1398= (NM_001142685.2); c.4074C>T, p.Arg1358= (NM_001378025.1); c.3147C>T, p.Arg1049= (NM_014715.4).
Identifiers: ClinVar variation 789316 (VCV000789316.7), dbSNP rs61748829, ClinGen allele CA6358599.

ClinVar aggregate classification (germline): Benign. Review status: criteria provided, multiple submitters, no conflicts (2 of 4 stars). 3 submissions from 3 submitters: Benign (2). 1 of the submissions does not count toward it. Last evaluated 2019-12-31.

Conditions:
ARHGAP32-related disorder. Also called: ARHGAP32-related condition.

Allele frequency attached by ClinVar (database versions not stated): 1000 Genomes Project 30x 0.00375; 1000 Genomes Project 0.00399; TOPMed 0.00681; ESP Exome Variant Server 0.00746; ExAC 0.00991; gnomAD 0.01009 and 0.01033; gnomAD exomes 0.01025.
gnomAD v4.1: 19,492 of 1,613,788 alleles (1.2%); highest among the groups gnomAD compares: Non-Finnish European, 1.4%; 164 homozygotes.

Submissions (3):

Labcorp Genetics (formerly Invitae), Labcorp
Classification: Benign. Last evaluated: 2019-12-31. Review status: criteria provided, single submitter. Criteria: Invitae Variant Classification Sherloc (09022015). Collection method: clinical testing. Allele origin: germline.

Breakthrough Genomics
Classification: Benign. Review status: criteria provided, single submitter. Criteria: ACMG Guidelines, 2015. Collection method: not provided. Allele origin: germline. Inheritance: Unknown mechanism. Affected: yes.

PreventionGenetics, part of Exact Sciences
Classification: Benign for ARHGAP32-related condition. Last evaluated: 2019-03-01. Review status: no assertion criteria provided. Collection method: clinical testing. Allele origin: germline. Not counted in ClinVar's aggregate classification.
Comment: This variant is classified as benign based on ACMG/AMP sequence variant interpretation guidelines (Richards et al. 2015 PMID: 25741868, with internal and published modifications).